The following is an entry in ClinVar:

NM_002185.5(IL7R):c.265C>T (p.Gln89Ter)

Gene: IL7R (interleukin 7 receptor; plus strand). Cytogenetic location: 5p13.2.
Variant type: single nucleotide variant.
Coding change: c.265C>T on transcript NM_002185.5 (MANE Select); coding-DNA position 265, C replaced by T.
Protein change: p.Gln89Ter; replaces glutamine 89 with a stop codon.
Molecular consequence: nonsense. On other transcripts: non-coding transcript variant (1).
Genome position (GRCh38, 1-based): chr5:35,867,349, C>T. VCF-style: chr5-35867349-C-T. GRCh37 (hg19) VCF-style: chr5-35867451-C-T.
Other names: NM_002185.5(IL7R):c.265C>T; p.Gln89Ter; short protein forms Q89*.
Identifiers: ClinVar variation 804345 (VCV000804345.42), dbSNP rs141698985, ClinGen allele CA3231898.
Genomic context (GRCh38, chr5:35,867,349, plus strand): 5'-CCTTTTTATTCCTACAGTGGGGCCCTCGTGGAGGTAAAGTGCCTGAATTTCAGGAAACTA[C>T]AAGAGATATATTTCATCGAGACAAAGAAATTCTTACTGATTGGAAAGAGCAATATATGTG-3'

ClinVar aggregate classification (germline): Likely pathogenic. Review status: reviewed by expert panel (3 of 4 stars). 5 submissions from 5 submitters: Likely pathogenic (1). 4 of the submissions do not count toward it. Last evaluated 2023-10-10.

Conditions:
Histiocytic medullary reticulosis. Also called: SEVERE COMBINED IMMUNODEFICIENCY WITH HYPEREOSINOPHILIA; Omenn syndrome. Identifiers: Orphanet 39041, MedGen C2700553, MONDO:0011338, OMIM 603554.
IL7R-related disorder. Also called: IL7R-related condition.
Immunodeficiency 104. Also called: IMMUNODEFICIENCY 104, SEVERE COMBINED; SCID, AUTOSOMAL RECESSIVE, T CELL-NEGATIVE, B CELL-POSITIVE, NK CELL-POSITIVE; Severe combined immunodeficiency, autosomal recessive, T cell-negative, B cell-positive, NK cell-positive; Severe Combined Immune Deficiency, Autosomal Recessive, TCell -Negative, B Cell-Positive, NK Cell-Positive, IL7R-Related. Identifiers: MedGen C5676890, MONDO:0012163, OMIM 608971.

Allele frequency attached by ClinVar (database versions not stated): gnomAD 0.00001; gnomAD exomes 0.00001; TOPMed 0.00001; ExAC 0.00002; ESP Exome Variant Server 0.00015.
gnomAD v4.1: 5 of 1,613,310 alleles (0.00031%); highest among the groups gnomAD compares: Non-Finnish European, 0.00034%; no homozygotes.

Submissions (5):

ClinGen Severe Combined Immunodeficiency Variant Curation Expert Panel, ClinGen
Classification: Likely pathogenic for Immunodeficiency 104. Last evaluated: 2023-10-10. Review status: reviewed by expert panel. Criteria: ClinGen SCID ACMG Specifications IL7R V1.0.0. Collection method: curation. Allele origin: germline. Inheritance: Autosomal recessive inheritance.
Comment: The NM_002185.5(IL7R):c.265C>T (p.Gln89Ter) variant in IL7R is a nonsense variant predicted to cause a premature stop codon in biologically-relevant-exon 3/8, which is predicted to lead to nonsense-mediated decay in a gene in which loss-of-function is an established disease mechanism (PVS1). The filtering allele frequency based on the European (non-Finnish) population (upper bound of 95% CI of 3/113430 alleles) is 0.000007030 in gnomAD v2.1.1, which is below the SCID-VCEP threshold (<0.00004129; PM2_Supporting). This variant has been reported in ClinVar and LOVD without patient information; however, it has not been reported in the literature to our knowledge. In summary, this variant meets the criteria to be classified as Likely Pathogenic for autosomal recessive SCID based on the ACMG/AMP criteria applied, as specified by the ClinGen SCID VCEP. Criteria applied: PVS1, PM2_supporting (SCID VCEP specifications version 1.0).

Labcorp Genetics (formerly Invitae), Labcorp
Classification: Pathogenic for Immunodeficiency 104. Last evaluated: 2025-12-08. Review status: criteria provided, single submitter. Criteria: Invitae Variant Classification Sherloc (09022015). Collection method: clinical testing. Allele origin: germline. Not counted in ClinVar's aggregate classification.
Comment: This sequence change creates a premature translational stop signal (p.Gln89*) in the IL7R gene. It is expected to result in an absent or disrupted protein product. Loss-of-function variants in IL7R are known to be pathogenic (PMID: 21664875, 26123418). This variant is present in population databases (rs141698985, gnomAD 0.003%). This variant has not been reported in the literature in individuals affected with IL7R-related conditions. ClinVar contains an entry for this variant (Variation ID: 804345). For these reasons, this variant has been classified as Pathogenic.

CeGaT Center for Human Genetics Tuebingen
Classification: Pathogenic. Last evaluated: 2021-09-01. Review status: criteria provided, single submitter. Criteria: CeGaT Center For Human Genetics Tuebingen Variant Classification Criteria Version 2. Collection method: clinical testing. Allele origin: germline. Affected: yes. Observed: 3 variant alleles. Not counted in ClinVar's aggregate classification.

Molecular Diagnostics Laboratory, M Health Fairview: University of Minnesota
Classification: Likely pathogenic for Histiocytic medullary reticulosis. Last evaluated: 2019-07-03. Review status: criteria provided, single submitter. Criteria: ACMG Guidelines, 2015. Collection method: clinical testing. Allele origin: germline. Affected: yes. Observed: 1 variant allele. Not counted in ClinVar's aggregate classification.

PreventionGenetics, part of Exact Sciences
Classification: Likely pathogenic for IL7R-related condition. Last evaluated: 2024-02-28. Review status: no assertion criteria provided. Collection method: clinical testing. Allele origin: germline. Not counted in ClinVar's aggregate classification.
Comment: The IL7R c.265C>T variant is predicted to result in premature protein termination (p.Gln89*). To our knowledge, this variant has not been reported in the literature. This variant is reported in 0.0026% of alleles in individuals of European (Non-Finnish) descent in gnomAD. Nonsense variants in IL7R are expected to be pathogenic. This variant is interpreted as likely pathogenic.

Literature cited by the submitters: PubMed 21664875 (cited by Labcorp Genetics (formerly Invitae), Labcorp); PubMed 26123418 (cited by Labcorp Genetics (formerly Invitae), Labcorp).